The following is an entry in ClinVar:

NM_138694.4(PKHD1):c.7717C>T (p.Arg2573Cys)

Gene: PKHD1 (PKHD1 ciliary IPT domain containing fibrocystin/polyductin; minus strand). Cytogenetic location: 6p12.2.
Variant type: single nucleotide variant.
Coding change: c.7717C>T on transcript NM_138694.4 (MANE Select); coding-DNA position 7717, C replaced by T.
Protein change: p.Arg2573Cys; replaces arginine 2573 with cysteine.
Molecular consequence: missense variant.
Genome position (GRCh38, 1-based): chr6:51,867,879, G>A on the plus strand (C>T on the coding strand, the complement: PKHD1 is on the minus strand). VCF-style: chr6-51867879-G-A. GRCh37 (hg19) VCF-style: chr6-51732677-G-A.
Other names: c.7717C>T, p.Arg2573Cys (NM_170724.3); short protein forms R2573C.
Identifiers: ClinVar variation 499806 (VCV000499806.50), dbSNP rs752994816, ClinGen allele CA3851871.

ClinVar aggregate classification (germline): Conflicting classifications of pathogenicity. Review status: criteria provided, conflicting classifications (1 of 4 stars). 9 submissions from 9 submitters: Pathogenic (3); Likely pathogenic (4); Uncertain significance (1). 1 of the submissions does not count toward it. Last evaluated 2026-01-13.

Conditions:
Autosomal dominant polycystic liver disease. Also called: Polycystic liver disease; Congenital cystic disease of liver. Identifiers: Orphanet 2924, MedGen C0158683, MONDO:0000447, HP:0006557.
PKHD1-related disorder. Also called: PKHD1-related condition.
Polycystic kidney disease 4 (PKD4). Also called: POLYCYSTIC KIDNEY AND HEPATIC DISEASE 1; POLYCYSTIC KIDNEY DISEASE, INFANTILE, TYPE I; PKD3; POLYCYSTIC KIDNEY DISEASE 4 WITH OR WITHOUT POLYCYSTIC LIVER DISEASE; Autosomal Recessive Polycystic Kidney Disease – PKHD1. Identifiers: MedGen C4540575, MONDO:0033004, OMIM 263200.
Autosomal recessive polycystic kidney disease (ARPKD). Also called: AR polycystic kidney disease. Identifiers: Orphanet 731, Orphanet 8378, MedGen C0085548, MeSH D017044, MONDO:0009889.

Allele frequency attached by ClinVar (database versions not stated): gnomAD 0.00001; ExAC 0.00002; gnomAD exomes 0.00002; TOPMed 0.00002.
gnomAD v4.1: 36 of 1,612,986 alleles (0.0022%); highest among the groups gnomAD compares: Non-Finnish European, 0.0025%; no homozygotes.

Submissions (9):

Natera, Inc.
Classification: Likely pathogenic for Autosomal recessive polycystic kidney disease. Last evaluated: 2026-01-13. Review status: criteria provided, single submitter. Criteria: Natera Variant Classification Schema (03/2026). Collection method: clinical testing. Allele origin: germline.
Comment: The c.7717C>T variant in PKHD1 is a missense variant predicted to cause substitution of arginine to cysteine at amino acid 2573. This variant is rare in the general population with a frequency below the threshold expected for the associated phenotype(s). This variant has been observed in one or more individuals affected with the associated recessive disease, as either homozygous or compound heterozygous with a second variant (PMID: 33123899, 33416279, 31738409, 27225849). Computational prediction algorithms indicate this variant is likely to affect gene or protein function. Given the available evidence, this variant is classified as Likely Pathogenic.

PreventionGenetics, part of Exact Sciences
Classification: Pathogenic for PKHD1-related condition. Last evaluated: 2025-10-11. Review status: criteria provided, single submitter. Criteria: ACMG Guidelines, 2015. Collection method: clinical testing. Allele origin: germline.
Comment: The PKHD1 c.7717C>T variant is predicted to result in the amino acid substitution p.Arg2573Cys. This variant has been reported to be pathogenic for autosomal recessive polycystic kidney disease (ARPKD) in multiple unrelated patients (see for example: Gunay-Argun et al. 2010. PubMed ID: 20413436; Qiu et al. 2020. PubMed ID: 33123899; Melchionda et al. 2016. PubMed ID: 27225849). This variant is reported in 0.0050% of alleles in individuals of East Asian descent in gnomAD. This variant is interpreted as pathogenic.

Blueprint Genetics
Classification: Pathogenic for PKHD1-related disorders. Last evaluated: 2024-10-07. Review status: criteria provided, single submitter. Criteria: ACMG Guidelines, 2015. Collection method: clinical testing. Allele origin: germline. Affected: yes. Observed: 5 variant alleles.

Labcorp Genetics (formerly Invitae), Labcorp
Classification: Pathogenic for Autosomal recessive polycystic kidney disease. Last evaluated: 2024-02-22. Review status: criteria provided, single submitter. Criteria: Invitae Variant Classification Sherloc (09022015). Collection method: clinical testing. Allele origin: germline.
Comment: This sequence change replaces arginine, which is basic and polar, with cysteine, which is neutral and slightly polar, at codon 2573 of the PKHD1 protein (p.Arg2573Cys). This variant is present in population databases (rs752994816, gnomAD 0.005%). This missense change has been observed in individual(s) with autosomal recessive polycystic kidney disease (PMID: 27225849, 28578020). In at least one individual the data is consistent with being in trans (on the opposite chromosome) from a pathogenic variant. ClinVar contains an entry for this variant (Variation ID: 499806). Advanced modeling of protein sequence and biophysical properties (such as structural, functional, and spatial information, amino acid conservation, physicochemical variation, residue mobility, and thermodynamic stability) performed at Invitae indicates that this missense variant is expected to disrupt PKHD1 protein function with a positive predictive value of 95%. Algorithms developed to predict the effect of sequence changes on RNA splicing suggest that this variant may disrupt the consensus splice site. For these reasons, this variant has been classified as Pathogenic.

Fulgent Genetics
Classification: Likely pathogenic for Polycystic kidney disease 4. Last evaluated: 2024-01-08. Review status: criteria provided, single submitter. Criteria: ACMG Guidelines, 2015. Collection method: clinical testing. Allele origin: germline.

Department of Pathology and Laboratory Medicine, Sinai Health System
Classification: Likely pathogenic for Polycystic kidney disease 4. Last evaluated: 2022-08-09. Review status: criteria provided, single submitter. Criteria: ACMG Guidelines, 2015. Collection method: clinical testing. Allele origin: germline. Affected: yes.

Myriad Genetics, Inc.
Classification: Likely pathogenic for Polycystic kidney disease 4. Last evaluated: 2021-11-11. Review status: criteria provided, single submitter. Criteria: Myriad Women's Health Autosomal Recessive and X-Linked Classification Criteria (2021). Collection method: clinical testing. Allele origin: unknown.
Comment: NM_138694.3(PKHD1):c.7717C>T(R2573C) is a missense variant classified as likely pathogenic in the context of autosomal recessive polycystic kidney disease, PKHD1-related. R2573C has been observed in cases with relevant disease (PMID: 27225849, 28578020, 27752906, 19914852, 31738409, 33123899). Functional assessments of this variant are not available in the literature. R2573C has been observed in population frequency databases (gnomAD: EAS 0.01%). In summary, NM_138694.3(PKHD1):c.7717C>T(R2573C) is a missense variant that has been observed more frequently in cases with the relevant disease than in healthy populations. Please note: this variant was assessed in the context of healthy population screening.

Eurofins Ntd Llc (ga)
Classification: Uncertain significance. Last evaluated: 2017-02-09. Review status: criteria provided, single submitter. Criteria: EGL Classification Definitions 2015. Collection method: clinical testing. Allele origin: germline. Observed: 1 variant allele, 1 heterozygote.

Laboratory of Gastroenterology and Hepatology, Radboud University Medical Center
Classification: Uncertain significance for Autosomal dominant polycystic liver disease. Last evaluated: 2021-09-01. Review status: no assertion criteria provided. Collection method: research. Allele origin: germline. Affected: yes. Not counted in ClinVar's aggregate classification.

Literature cited by the submitters: PubMed 33123899 (cited by 3 submitters); PubMed 33416279 (cited by Natera, Inc.); PubMed 31738409 (cited by 3 submitters); PubMed 27225849 (cited by 4 submitters); PubMed 28578020 (cited by Labcorp Genetics (formerly Invitae), Labcorp and Myriad Genetics, Inc.); PubMed 27752906 (cited by Department of Pathology and Laboratory Medicine, Sinai Health System and Myriad Genetics, Inc.); PubMed 19914852 (cited by 3 submitters).